The following is an entry in ClinVar:

NM_000459.5(TEK):c.1734G>A (p.Val578=)

Gene: TEK (TEK receptor tyrosine kinase; plus strand). Cytogenetic location: 9p21.2.
Variant type: single nucleotide variant.
Coding change: c.1734G>A on transcript NM_000459.5 (MANE Select); coding-DNA position 1734, G replaced by A.
Protein change: p.Val578=; no amino-acid change (valine 578 retained).
Molecular consequence: synonymous variant.
Genome position (GRCh38, 1-based): chr9:27,197,424, G>A. VCF-style: chr9-27197424-G-A. GRCh37 (hg19) VCF-style: chr9-27197422-G-A.
Other names: c.1605G>A, p.Val535= (NM_001290077.2, NM_001375476.1); c.1293G>A, p.Val431= (NM_001290078.2); c.1734G>A, p.Val578= (NM_001375475.1).
Identifiers: ClinVar variation 366429 (VCV000366429.5), dbSNP rs146405482, ClinGen allele CA5016316.

ClinVar aggregate classification (germline): Benign (1 of 4 stars; one submission).

Conditions:
Multiple cutaneous and mucosal venous malformations (VMCM). Also called: TEK-Related Multiple Cutaneous and Mucosal Venous Malformations (VMCM). Identifiers: Orphanet 2451, MedGen C1838437, MONDO:0010842, OMIM 600195.

Allele frequency attached by ClinVar (database versions not stated): gnomAD 0.00003 and 0.00002; 1000 Genomes Project 0.00040; gnomAD exomes 0.00012; 1000 Genomes Project 30x 0.00031; TOPMed 0.00003; ESP Exome Variant Server 0.00008; ExAC 0.00016.
gnomAD v4.1: 63 of 1,614,094 alleles (0.0039%); highest among the groups gnomAD compares: South Asian, 0.049%; no homozygotes.

Submission:

Illumina Laboratory Services, Illumina
Classification: Benign for Multiple cutaneous and mucosal venous malformations. Last evaluated: 2018-01-13. Review status: criteria provided, single submitter. Criteria: ICSL Variant Classification Criteria 13 December 2019. Collection method: clinical testing. Allele origin: germline.
Comment: This variant was observed in the ICSL laboratory as part of a predisposition screen in an ostensibly healthy population. It had not been previously curated by ICSL or reported in the Human Gene Mutation Database (HGMD: prior to June 1st, 2018), and was therefore a candidate for classification through an automated scoring system. Utilizing variant allele frequency, disease prevalence and penetrance estimates, and inheritance mode, an automated score was calculated to assess if this variant is too frequent to cause the disease. Based on the score and internal cut-off values, a variant classified as benign is not then subjected to further curation. The score for this variant resulted in a classification of benign for this disease.